The following is an entry in ClinVar:

ClinVar aggregate classification (germline): Uncertain significance. Review status: criteria provided, multiple submitters, no conflicts (2 of 4 stars). 4 submissions from 4 submitters: Uncertain significance (4). Last evaluated 2025-02-17.

Conditions:
Hereditary cancer-predisposing syndrome. Also called: Hereditary neoplastic syndrome; Tumor predisposition; Neoplastic Syndromes, Hereditary; Hereditary Cancer Syndrome. Identifiers: Orphanet 140162, MedGen C0027672, MeSH D009386, MONDO:0015356.
Cardiovascular phenotype. Identifiers: MedGen CN230736.
Neurofibromatosis, type 1 (NF1). Also called: Peripheral type neurofibromatosis; VON RECKLINGHAUSEN DISEASE; NEUROFIBROMATOSIS, TYPE I, SOMATIC; Neurofibromatosis, type I. Identifiers: Orphanet 636, MedGen C0027831, MONDO:0018975, OMIM 162200. Disease mechanism: loss of function.
Juvenile myelomonocytic leukemia (JMML). Also called: LEUKEMIA, JUVENILE MYELOMONOCYTIC, SOMATIC. Identifiers: Orphanet 86834, MedGen C0349639, MONDO:0011908, OMIM 607785, HP:0012209.
Neurofibromatosis-Noonan syndrome (NFNS). Also called: NEUROFIBROMATOSIS WITH NOONAN PHENOTYPE. Identifiers: Orphanet 638, MedGen C2931482, MONDO:0011035, OMIM 601321. Disease mechanism: loss of function.

Allele frequency attached by ClinVar (database versions not stated): gnomAD exomes below 0.00001; TOPMed below 0.00001.
gnomAD v4.1: 1 of 1,614,202 alleles (0.000062%); highest among the groups gnomAD compares: South Asian, 0.0011%; no homozygotes.

Submissions (4):

3billion
Classification: Uncertain significance for Neurofibromatosis-Noonan syndrome. Last evaluated: 2025-02-17. Review status: criteria provided, single submitter. Criteria: ACMG Guidelines, 2015. Collection method: clinical testing. Allele origin: germline. Affected: yes.
Comment: The variant is observed at an extremely low frequency in the gnomAD v4.1.0 dataset (total allele frequency: <0.001%). Predicted Consequence/Location: Missense variant In silico tool predictions suggest damaging effect of the variant on gene or gene product [REVEL: 0.84 (>=0.6, sensitivity 0.68 and specificity 0.92)]. The variant has been reported as of uncertain significance (ClinVar ID: VCV000959392). Different missense changes at the same codon have been reported as of uncertain significance (ClinVar ID: VCV003404920). Therefore, this variant is classified as VUS according to the recommendation of ACMG/AMP guideline.

Labcorp Genetics (formerly Invitae), Labcorp
Classification: Uncertain significance for Neurofibromatosis, type 1. Last evaluated: 2025-01-26. Review status: criteria provided, single submitter. Criteria: Invitae Variant Classification Sherloc (09022015). Collection method: clinical testing. Allele origin: germline.
Comment: This sequence change replaces phenylalanine, which is neutral and non-polar, with leucine, which is neutral and non-polar, at codon 1791 of the NF1 protein (p.Phe1791Leu). This variant is not present in population databases (gnomAD no frequency). This variant has not been reported in the literature in individuals affected with NF1-related conditions. ClinVar contains an entry for this variant (Variation ID: 959392). Invitae Evidence Modeling of protein sequence and biophysical properties (such as structural, functional, and spatial information, amino acid conservation, physicochemical variation, residue mobility, and thermodynamic stability) has been performed for this missense variant. However, the output from this modeling did not meet the statistical confidence thresholds required to predict the impact of this variant on NF1 protein function. In summary, the available evidence is currently insufficient to determine the role of this variant in disease. Therefore, it has been classified as a Variant of Uncertain Significance.

Ambry Genetics
Classification: Uncertain significance for Cardiovascular phenotype; Hereditary cancer-predisposing syndrome. Last evaluated: 2024-12-17. Review status: criteria provided, single submitter. Criteria: Ambry Variant Classification Scheme 2023. Collection method: clinical testing. Allele origin: germline.
Comment: The p.F1791L variant (also known as c.5371T>C), located in coding exon 37 of the NF1 gene, results from a T to C substitution at nucleotide position 5371. The phenylalanine at codon 1791 is replaced by leucine, an amino acid with highly similar properties. This amino acid position is highly conserved in available vertebrate species. In addition, this alteration is predicted to be deleterious by in silico analysis. Based on the available evidence, the clinical significance of this variant remains unclear.

Baylor Genetics
Classification: Uncertain significance for Juvenile myelomonocytic leukemia. Last evaluated: 2023-11-07. Review status: criteria provided, single submitter. Criteria: ACMG Guidelines, 2015. Collection method: clinical testing. Allele origin: unknown.

NM_001042492.3(NF1):c.5434T>C (p.Phe1812Leu)

Gene: NF1 (neurofibromin 1; plus strand). Cytogenetic location: 17q11.2.
Variant type: single nucleotide variant.
Coding change: c.5434T>C on transcript NM_001042492.3 (MANE Select); coding-DNA position 5434, T replaced by C.
Protein change: p.Phe1812Leu; replaces phenylalanine 1812 with leucine.
Molecular consequence: missense variant.
Genome position (GRCh38, 1-based): chr17:31,327,664, T>C. VCF-style: chr17-31327664-T-C. GRCh37 (hg19) VCF-style: chr17-29654682-T-C.
Other names: c.5371T>C, p.Phe1791Leu (NM_000267.4); short protein forms F1791L, F1812L.
Identifiers: ClinVar variation 959392 (VCV000959392.11), dbSNP rs2069380487, ClinGen allele CA399009428.